The following is an entry in ClinVar:

NM_005640.3(TAF4B):c.1312G>C (p.Val438Leu)

Gene: TAF4B (TATA-box binding protein associated factor 4b; plus strand). Cytogenetic location: 18q11.2.
Variant type: single nucleotide variant.
Coding change: c.1312G>C on transcript NM_005640.3 (MANE Select); coding-DNA position 1312, G replaced by C.
Protein change: p.Val438Leu; replaces valine 438 with leucine.
Molecular consequence: missense variant. On other transcripts: non-coding transcript variant (1).
Genome position (GRCh38, 1-based): chr18:26,286,221, G>C. VCF-style: chr18-26286221-G-C. GRCh37 (hg19) VCF-style: chr18-23866185-G-C.
Other names: c.1312G>C, p.Val438Leu (NM_001293725.2); short protein forms V438L.
Identifiers: ClinVar variation 3055962 (VCV003055962.2), dbSNP rs74947492, ClinGen allele CA8921803.

ClinVar aggregate classification (germline): Benign (0 of 4 stars; one submission).

Conditions:
TAF4B-related disorder. Also called: TAF4B-related condition.

Allele frequency attached by ClinVar (database versions not stated): 1000 Genomes Project 30x 0.04435; 1000 Genomes Project 0.04453; gnomAD 0.07517; ExAC 0.07894; ESP Exome Variant Server 0.08118.
gnomAD v4.1: 151,502 of 1,614,152 alleles (9.4%); highest among the groups gnomAD compares: Non-Finnish European, 10%; 7,857 homozygotes.

Submission:

PreventionGenetics, part of Exact Sciences
Classification: Benign for TAF4B-related condition. Last evaluated: 2019-12-16. Review status: no assertion criteria provided. Collection method: clinical testing. Allele origin: germline.
Comment: This variant is classified as benign based on ACMG/AMP sequence variant interpretation guidelines (Richards et al. 2015 PMID: 25741868, with internal and published modifications).